The following is an entry in ClinVar:

ClinVar aggregate classification (germline): Uncertain significance (1 of 4 stars; one submission).

Allele frequency attached by ClinVar (database versions not stated): TOPMed below 0.00001; ExAC 0.00001; gnomAD 0.00001; gnomAD exomes 0.00001.
gnomAD v4.1: 8 of 1,613,222 alleles (0.0005%); highest among the groups gnomAD compares: Non-Finnish European, 0.00068%; no homozygotes.

Submission:

Labcorp Genetics (formerly Invitae), Labcorp
Classification: Uncertain significance. Last evaluated: 2022-08-03. Review status: criteria provided, single submitter. Criteria: Invitae Variant Classification Sherloc (09022015). Collection method: clinical testing. Allele origin: germline.
Comment: This sequence change replaces glutamic acid, which is acidic and polar, with lysine, which is basic and polar, at codon 318 of the EXOSC9 protein (p.Glu318Lys). This variant is present in population databases (rs767801771, gnomAD 0.0009%). This variant has not been reported in the literature in individuals affected with EXOSC9-related conditions. Algorithms developed to predict the effect of missense changes on protein structure and function (SIFT, PolyPhen-2, Align-GVGD) all suggest that this variant is likely to be tolerated. In summary, the available evidence is currently insufficient to determine the role of this variant in disease. Therefore, it has been classified as a Variant of Uncertain Significance.

NM_005033.3(EXOSC9):c.952G>A (p.Glu318Lys)

Gene: EXOSC9 (exosome component 9; plus strand). Cytogenetic location: 4q27.
Variant type: single nucleotide variant.
Coding change: c.952G>A on transcript NM_005033.3 (MANE Select); coding-DNA position 952, G replaced by A.
Protein change: p.Glu318Lys; replaces glutamic acid 318 with lysine.
Molecular consequence: missense variant.
Genome position (GRCh38, 1-based): chr4:121,813,358, G>A. VCF-style: chr4-121813358-G-A. GRCh37 (hg19) VCF-style: chr4-122734513-G-A.
Other names: c.952G>A, p.Glu318Lys (NM_001034194.2); short protein forms E318K.
Identifiers: ClinVar variation 1922334 (VCV001922334.2), dbSNP rs767801771, ClinGen allele CA3063577.